The following is an entry in ClinVar:

ClinVar aggregate classification (germline): Uncertain significance (1 of 4 stars; one submission).

Conditions:
Surfactant metabolism dysfunction, pulmonary, 4 (SMDP4). Also called: CSF2RA DEFICIENCY; PAP DUE TO CSF2RA DEFICIENCY; PULMONARY ALVEOLAR PROTEINOSIS, CONGENITAL, 4. Identifiers: Orphanet 264675, MedGen C2677877, MONDO:0010424, OMIM 300770.

Submission:

Neuberg Centre For Genomic Medicine, NCGM
Classification: Uncertain significance for Surfactant metabolism dysfunction, pulmonary, 4. Review status: criteria provided, single submitter. Criteria: ACMG Guidelines, 2015. Collection method: clinical testing. Allele origin: germline. Inheritance: Autosomal recessive inheritance. Affected: yes.
Comment: The missense variant p.V194G in CSF2RA (NM_172245.4) has not been reported previously as a pathogenic variant nor as a benign variant, to our knowledge. The p.V194G variant is novel (not in any individuals) in gnomAD exomes and is novel (not in any individuals) in 1000 Genomes. There is a moderate physicochemical difference between valine and glycine. For these reasons, this variant has been classified as Variant of Uncertain Significance (VUS). Since the gene is in the pseudoautosomal region homozygous and compound heterozygous variants have been previously reported in affected females.

NM_172245.4(CSF2RA):c.581T>G (p.Val194Gly)

Gene: CSF2RA (colony stimulating factor 2 receptor subunit alpha; plus strand). Cytogenetic location: Xp22.33.
Variant type: single nucleotide variant.
Coding change: c.581T>G on transcript NM_172245.4 (MANE Select); coding-DNA position 581, T replaced by G.
Protein change: p.Val194Gly; replaces valine 194 with glycine.
Molecular consequence: missense variant. On other transcripts: non-coding transcript variant (1).
Genome position (GRCh38, 1-based): chrX:1,290,444, T>G. VCF-style: chrX-1290444-T-G. GRCh37 (hg19) VCF-style: chrX-1409337-T-G.
Other names: c.581T>G, p.Val194Gly (NM_001379162.1, NM_001379163.1, NM_001379164.1 and 21 more transcripts); c.182T>G, p.Val61Gly (NM_001161532.2); short protein forms V61G, V194G.
Identifiers: ClinVar variation 2584842 (VCV002584842.1), dbSNP rs2522112878, ClinGen allele CA412235704.
Genomic context (GRCh38, chrX:1,290,444, plus strand): 5'-CCCATGTGGGATGTCACCTGGATAACCTGTCAGGATTAACGTCTCGCAATTACTTTCTGG[T>G]TAACGGAACCAGCCGAGAAATTGGCATCCAATTCTTTGATTCACTTTTGGACACAAAGAA-3'
Protein context (NP_758448.1, residues 184-204): SGLTSRNYFL[Val194Gly]NGTSREIGIQ